The following is an entry in ClinVar:

ClinVar aggregate classification (germline): Conflicting classifications of pathogenicity. Review status: criteria provided, conflicting classifications (1 of 4 stars). 5 submissions from 5 submitters: Likely pathogenic (2); Uncertain significance (2). 1 of the submissions does not count toward it. Last evaluated 2025-12-30.

Conditions:
MPDU1-congenital disorder of glycosylation. Also called: CDG If; CONGENITAL DISORDER OF GLYCOSYLATION, TYPE If; MPDU1-CDG. Identifiers: Orphanet 79323, MedGen C1836669, MONDO:0012211, OMIM 609180.

Allele frequency attached by ClinVar (database versions not stated): gnomAD exomes 0.00001 and 0.00002; gnomAD 0.00001; TOPMed below 0.00001; ExAC 0.00001.

Submissions (5):

GeneDx
Classification: Likely pathogenic. Last evaluated: 2025-12-30. Review status: criteria provided, single submitter. Criteria: GeneDx Variant Classification Process June 2021. Collection method: clinical testing. Allele origin: germline. Affected: yes.
Comment: Frameshift variant predicted to result in abnormal protein length as the last 77 amino acid(s) are replaced with 41 different amino acid(s), and other similar variants have been reported in HGMD; Not observed at significant frequency in large population cohorts (gnomAD); This variant is associated with the following publications: (PMID: 31589614, 11733564)

Dasa
Classification: Likely pathogenic. Last evaluated: 2025-12-23. Review status: criteria provided, single submitter. Criteria: DASA Assertion Criteria. Collection method: clinical testing. Allele origin: germline.
Comment: NM_004870.4(MPDU1):c.511del (p.Leu171Serfs*42) is a frameshift variant in MPDU1 predicted to alter the reading frame and introduce a premature termination codon and is predicted to result in an absent or altered protein product. Loss of function is an established disease mechanism for MPDU1-associated disorders. This variant has been reported in individuals with MPDU1-related disorders (PMID: 11733564). Also, this variant is rare in population databases. Based on the currently available evidence, this variant is classified as likely pathogenic.

Women's Health and Genetics/Laboratory Corporation of America, LabCorp
Classification: Uncertain significance. Last evaluated: 2024-01-05. Review status: criteria provided, single submitter. Criteria: LabCorp Variant Classification Summary - May 2015. Collection method: clinical testing. Allele origin: germline.
Comment: Variant summary: MPDU1 c.511delC (p.Leu171SerfsX42) results in a premature termination codon affecting the last 77 amino acids of the encoded protein but is not predicted to undergo nonsense mediated decay. The variant allele was found at a frequency of 2.4e-05 in 251334 control chromosomes. The available data on variant occurrences in the general population are insufficient to allow any conclusion about variant significance. c.511delC has been reported in the literature in at least one compound heterozygous individual affected with Congenital Disorder Of Glycosylation, Type I (e.g. Schenk_2001). These data do not provide sufficient evidence to allow conclusions about variant significance. To our knowledge, no experimental evidence demonstrating an impact on protein function has been reported. The following publication has been ascertained in the context of this evaluation (PMID: 11733564). ClinVar contains an entry for this variant (Variation ID: 523948). Based on the evidence outlined above, the variant was classified as uncertain significance.

Labcorp Genetics (formerly Invitae), Labcorp
Classification: Uncertain significance for MPDU1-congenital disorder of glycosylation. Last evaluated: 2021-08-27. Review status: criteria provided, single submitter. Criteria: Invitae Variant Classification Sherloc (09022015). Collection method: clinical testing. Allele origin: germline.
Comment: This sequence change creates a premature translational stop signal (p.Leu171Serfs*42) in the MPDU1 gene. While this is not anticipated to result in nonsense mediated decay, it is expected to disrupt the last 77 amino acid(s) of the MPDU1 protein. This variant is present in population databases (rs756471132, ExAC 0.002%). This premature translational stop signal has been observed in individual(s) with MPDU1-CDG (PMID: 11733564). ClinVar contains an entry for this variant (Variation ID: 523948). In summary, the available evidence is currently insufficient to determine the role of this variant in disease. Therefore, it has been classified as a Variant of Uncertain Significance.

OMIM
Classification: Pathogenic for CONGENITAL DISORDER OF GLYCOSYLATION, TYPE If. Last evaluated: 2001-12-01. Review status: no assertion criteria provided. Collection method: literature only. Allele origin: germline. Not counted in ClinVar's aggregate classification.

Literature cited by the submitters: PubMed 11733564 (cited by 4 submitters).

NM_004870.4(MPDU1):c.511del (p.Leu171fs)

Gene: MPDU1 (mannose-P-dolichol utilization defect 1; plus strand). Cytogenetic location: 17p13.1.
Variant type: Deletion.
Coding change: c.511del on transcript NM_004870.4 (MANE Select); coding-DNA position 511, one base deleted (C; older notation c.511delC).
Protein change: p.Leu171fs; shifts the reading frame from leucine 171.
Molecular consequence: frameshift variant. On other transcripts: non-coding transcript variant (1).
Genome position (GRCh38, 1-based): chr17:7,587,164, C deleted. VCF-style (leftmost placement, unchanged base first): chr17-7587163-TC-T. GRCh37 (hg19) VCF-style: chr17-7490481-TC-T.
Other names: c.453del, p.Ser152fs (NM_001330073.1); c.511delC (NM_004870.3, NM_004870.4); c.511del (NM_004870.3); short protein forms S152fs, L171fs.
Identifiers: ClinVar variation 523948 (VCV000523948.13), dbSNP rs756471132, ClinGen allele CA8352990.
Genomic context (GRCh38, chr17:7,587,163, plus strand): 5'-TGGGGGAGCATGGGAAGAGCTCAGGTGACAGAGCCAAAGGTCTCAACTCCTCCCCTAGCT[TC>T]TCCAGGCAGCCACCAACTACCACAACGGGCACACAGGCCAGCTCTCAGCCATCACAGTCT-3'